The following is an entry in ClinVar:

NM_005149.3(TBX19):c.*21T>A

Gene: TBX19 (T-box transcription factor 19; plus strand). Cytogenetic location: 1q24.2.
Variant type: single nucleotide variant.
Coding change: c.*21T>A on transcript NM_005149.3 (MANE Select); 21 bases downstream of the stop codon, T replaced by A.
Molecular consequence: 3 prime UTR variant.
Genome position (GRCh38, 1-based): chr1:168,313,023, T>A. VCF-style: chr1-168313023-T-A. GRCh37 (hg19) VCF-style: chr1-168282261-T-A.
Identifiers: ClinVar variation 293481 (VCV000293481.8), dbSNP rs3885717, ClinGen allele CA1230819.

ClinVar aggregate classification (germline): Benign. Review status: criteria provided, multiple submitters, no conflicts (2 of 4 stars). 3 submissions from 3 submitters: Benign (3). Last evaluated 2021-07-15.

Conditions:
Congenital isolated adrenocorticotropic hormone deficiency. Also called: ACTH DEFICIENCY, ISOLATED; ACTH deficiency; Adrenocorticotropic hormone deficiency. Identifiers: Orphanet 199296, MedGen C0342388, MONDO:0008720, OMIM 201400, HP:0011748.

Allele frequency attached by ClinVar (database versions not stated): gnomAD 0.43776; ESP Exome Variant Server 0.45639; TOPMed 0.46496; 1000 Genomes Project 0.48942; 1000 Genomes Project 30x 0.49001.
gnomAD v4.1: 685,617 of 1,613,020 alleles (43%); highest among the groups gnomAD compares: African/African-American, 54%; 147,582 homozygotes.

Submissions (3):

Genome-Nilou Lab
Classification: Benign for Congenital isolated adrenocorticotropic hormone deficiency. Last evaluated: 2021-07-15. Review status: criteria provided, single submitter. Criteria: ACMG Guidelines, 2015. Collection method: clinical testing. Allele origin: germline. Affected: no.

Illumina Laboratory Services, Illumina
Classification: Benign for Congenital isolated adrenocorticotropic hormone deficiency. Last evaluated: 2018-01-13. Review status: criteria provided, single submitter. Criteria: ICSL Variant Classification Criteria 13 December 2019. Collection method: clinical testing. Allele origin: germline.
Comment: This variant was observed in the ICSL laboratory as part of a predisposition screen in an ostensibly healthy population. It had not been previously curated by ICSL or reported in the Human Gene Mutation Database (HGMD: prior to June 1st, 2018), and was therefore a candidate for classification through an automated scoring system. Utilizing variant allele frequency, disease prevalence and penetrance estimates, and inheritance mode, an automated score was calculated to assess if this variant is too frequent to cause the disease. Based on the score and internal cut-off values, a variant classified as benign is not then subjected to further curation. The score for this variant resulted in a classification of benign for this disease.

Breakthrough Genomics
Classification: Benign. Review status: criteria provided, single submitter. Criteria: ACMG Guidelines, 2015. Collection method: not provided. Allele origin: germline. Inheritance: Autosomal recessive inheritance. Affected: yes.